The following is an entry in ClinVar:

ClinVar aggregate classification (germline): Uncertain significance. Review status: criteria provided, multiple submitters, no conflicts (2 of 4 stars). 6 submissions from 6 submitters: Uncertain significance (6). Last evaluated 2025-10-27.

Conditions:
Hereditary cancer-predisposing syndrome. Also called: Tumor predisposition; Hereditary neoplastic syndrome; Neoplastic Syndromes, Hereditary; Hereditary Cancer Syndrome. Identifiers: Orphanet 140162, MedGen C0027672, MeSH D009386, MONDO:0015356.
Fanconi anemia complementation group J. Also called: BRIP1-Related Fanconi Anemia. Identifiers: Orphanet 84, MedGen C1836860, MONDO:0012187, OMIM 609054.
Familial cancer of breast. Also called: hereditary breast carcinoma; Hereditary breast cancer; BREAST CANCER, FAMILIAL. Identifiers: Orphanet 227535, MedGen C0346153, MONDO:0016419, OMIM 114480. Disease mechanism: loss of function.

Submissions (6):

Labcorp Genetics (formerly Invitae), Labcorp
Classification: Uncertain significance for Familial cancer of breast; Fanconi anemia complementation group J. Last evaluated: 2025-10-27. Review status: criteria provided, single submitter. Criteria: Invitae Variant Classification Sherloc (09022015). Collection method: clinical testing. Allele origin: germline.
Comment: This sequence change replaces glycine, which is neutral and non-polar, with alanine, which is neutral and non-polar, at codon 649 of the BRIP1 protein (p.Gly649Ala). This variant is present in population databases (rs746066323, gnomAD 0.009%). This missense change has been observed in individual(s) with breast cancer (PMID: 25452441). ClinVar contains an entry for this variant (Variation ID: 220217). Invitae Evidence Modeling of protein sequence and biophysical properties (such as structural, functional, and spatial information, amino acid conservation, physicochemical variation, residue mobility, and thermodynamic stability) indicates that this missense variant is not expected to disrupt BRIP1 protein function with a negative predictive value of 95%. In summary, the available evidence is currently insufficient to determine the role of this variant in disease. Therefore, it has been classified as a Variant of Uncertain Significance.

Quest Diagnostics Nichols Institute San Juan Capistrano
Classification: Uncertain significance. Last evaluated: 2025-07-18. Review status: criteria provided, single submitter. Criteria: Quest Diagnostics criteria. Collection method: clinical testing. Allele origin: unknown.
Comment: The BRIP1 c.1946G>C (p.Gly649Ala) variant has been reported in the published literature in an individual with triple negative breast cancer (PMID: 25452441 (2015)). The frequency of this variant in the general population (Genome Aggregation Database) is uninformative in the assessment of its pathogenicity. Analysis of this variant using bioinformatics tools for the prediction of the effect of amino acid changes on protein structure and function yielded predictions that this variant is damaging. Based on the available information, we are unable to determine the clinical significance of this variant.

Ambry Genetics
Classification: Uncertain significance for Hereditary cancer-predisposing syndrome. Last evaluated: 2025-05-29. Review status: criteria provided, single submitter. Criteria: Ambry Variant Classification Scheme 2023. Collection method: clinical testing. Allele origin: germline.
Comment: The p.G649A variant (also known as c.1946G>C), located in coding exon 13 of the BRIP1 gene, results from a G to C substitution at nucleotide position 1946. The glycine at codon 649 is replaced by alanine, an amino acid with similar properties. This alteration has been detected in 1/1824 patients with triple negative breast cancer who were unselected for a family history of breast or ovarian cancer (Couch FJ et al. J. Clin. Oncol., 2015 Feb;33:304-11). This alteration has also been reported in a pediatric astrocytoma patient (Muskens IS et al. Neuro Oncol, 2020 Jun;22:864-874). This amino acid position is highly conserved in available vertebrate species. In addition, this alteration is predicted to be deleterious by in silico analysis. Based on the available evidence, the clinical significance of this variant remains unclear.

Color Diagnostics, LLC DBA Color Health
Classification: Uncertain significance for Hereditary cancer-predisposing syndrome. Last evaluated: 2024-04-01. Review status: criteria provided, single submitter. Criteria: ACMG Guidelines, 2015. Collection method: clinical testing. Allele origin: germline.
Comment: This missense variant replaces glycine with alanine at codon 649 of the BRIP1 protein. Computational prediction tool suggests that this variant may not impact protein structure and function (internally defined REVEL score threshold <= 0.5, PMID: 27666373). To our knowledge, functional studies have not been performed for this variant. This variant has been reported in an individual affected with breast cancer (PMID: 25452441). This variant has also been identified in 3/251286 chromosomes in the general population by the Genome Aggregation Database (gnomAD). The available evidence is insufficient to determine the role of this variant in disease conclusively. Therefore, this variant is classified as a Variant of Uncertain Significance.

Baylor Genetics
Classification: Uncertain significance for Familial cancer of breast. Last evaluated: 2023-11-16. Review status: criteria provided, single submitter. Criteria: ACMG Guidelines, 2015. Collection method: clinical testing. Allele origin: unknown.

Women's Health and Genetics/Laboratory Corporation of America, LabCorp
Classification: Uncertain significance. Last evaluated: 2023-08-08. Review status: criteria provided, single submitter. Criteria: LabCorp Variant Classification Summary - May 2015. Collection method: clinical testing. Allele origin: germline.
Comment: Variant summary: BRIP1 c.1946G>C (p.Gly649Ala) results in a non-conservative amino acid change in the encoded protein sequence. Three of five in-silico tools predict a damaging effect of the variant on protein function. The variant allele was found at a frequency of 1.2e-05 in 251286 control chromosomes (gnomAD). The available data on variant occurrences in the general population are insufficient to allow any conclusion about variant significance. c.1946G>C has been reported in the literature in an individual affected with pediatric astrocytoma and at least one individual with triple negative breast cancer (Couch_2015, Muskens_2020). These reports do not provide unequivocal conclusions about association of the variant with Hereditary Breast And Ovarian Cancer Syndrome. To our knowledge, no experimental evidence demonstrating an impact on protein function has been reported. The following publications have been ascertained in the context of this evaluation (PMID: 25452441, 31970404). Three ClinVar submitters have assessed the variant since 2014, and all submitters classified the variant as uncertain significance. Based on the evidence outlined above, the variant was classified as uncertain significance.

Literature cited by the submitters: PubMed 25452441 (cited by 5 submitters); PubMed 3197040 (cited by Quest Diagnostics Nichols Institute San Juan Capistrano); PubMed 31970404 (cited by Ambry Genetics and Women's Health and Genetics/Laboratory Corporation of America, LabCorp).

NM_032043.3(BRIP1):c.1946G>C (p.Gly649Ala)

Gene: BRIP1 (BRCA1 interacting DNA helicase 1; minus strand). Cytogenetic location: 17q23.2.
Variant type: single nucleotide variant.
Coding change: c.1946G>C on transcript NM_032043.3 (MANE Select); coding-DNA position 1946, G replaced by C.
Protein change: p.Gly649Ala; replaces glycine 649 with alanine.
Molecular consequence: missense variant.
Genome position (GRCh38, 1-based): chr17:61,776,552, C>G on the plus strand (G>C on the coding strand, the complement: BRIP1 is on the minus strand). VCF-style: chr17-61776552-C-G. GRCh37 (hg19) VCF-style: chr17-59853913-C-G.
Other names: short protein forms G649A.
Identifiers: ClinVar variation 220217 (VCV000220217.24), dbSNP rs746066323, ClinGen allele CA348814.